The following is an entry in ClinVar:

ClinVar aggregate classification (germline): Uncertain significance (1 of 4 stars; one submission).

Conditions:
Inborn genetic diseases. Identifiers: MedGen C0950123, MeSH D030342.

gnomAD v4.1: 1 of 1,613,890 alleles (0.000062%); highest among the groups gnomAD compares: Admixed American, 0.0017%; no homozygotes.

Submission:

Ambry Genetics
Classification: Uncertain significance for Inborn genetic diseases. Last evaluated: 2026-07-14. Review status: criteria provided, single submitter. Criteria: Ambry Variant Classification Scheme 2023. Collection method: clinical testing. Allele origin: germline.
Comment: The p.V1097L variant (also known as c.3289G>C), located in coding exon 24 of the ANKRD26 gene, results from a G to C substitution at nucleotide position 3289. The valine at codon 1097 is replaced by leucine, an amino acid with highly similar properties. This amino acid position is conserved. In addition, this alteration is predicted to be tolerated by in silico analysis. Based on the available evidence, the clinical significance of this variant remains unclear.

NM_014915.3(ANKRD26):c.3289G>C (p.Val1097Leu)

Gene: ANKRD26 (ankyrin repeat domain 26; minus strand). Cytogenetic location: 10p12.1.
Variant type: single nucleotide variant.
Coding change: c.3289G>C on transcript NM_014915.3 (MANE Select); coding-DNA position 3289, G replaced by C.
Protein change: p.Val1097Leu; replaces valine 1097 with leucine.
Molecular consequence: missense variant.
Genome position (GRCh38, 1-based): chr10:27,035,161, C>G on the plus strand (G>C on the coding strand, the complement: ANKRD26 is on the minus strand). VCF-style: chr10-27035161-C-G. GRCh37 (hg19) VCF-style: chr10-27324090-C-G.
Other names: c.3286G>C, p.Val1096Leu (NM_001256053.2); short protein forms V1097L, V1096L.
Identifiers: ClinVar variation 5023079 (VCV005023079.1).